The following is an entry in ClinVar:

NM_001277115.2(DNAH11):c.9250C>G (p.Leu3084Val)

Gene: DNAH11 (dynein axonemal heavy chain 11; plus strand). Cytogenetic location: 7p15.3.
Variant type: single nucleotide variant.
Coding change: c.9250C>G on transcript NM_001277115.2 (MANE Select); coding-DNA position 9250, C replaced by G.
Protein change: p.Leu3084Val; replaces leucine 3084 with valine.
Molecular consequence: missense variant.
Genome position (GRCh38, 1-based): chr7:21,773,913, C>G. VCF-style: chr7-21773913-C-G. GRCh37 (hg19) VCF-style: chr7-21813531-C-G.
Other names: c.9271C>G, p.Leu3091Val (NM_003777.3); c.9250C>G (NM_001277115.1); short protein forms L3084V, L3091V.
Identifiers: ClinVar variation 2912616 (VCV002912616.4), dbSNP rs566490774, ClinGen allele CA4181908.

ClinVar aggregate classification (germline): Conflicting classifications of pathogenicity. Review status: criteria provided, conflicting classifications (1 of 4 stars). 2 submissions from 2 submitters: Uncertain significance (1); Benign (1). Last evaluated 2024-03-13.

Conditions:
Primary ciliary dyskinesia. Also called: Ciliary dyskinesia. Identifiers: Orphanet 244, MedGen C0008780, MONDO:0016575, HP:0012265.

gnomAD v4.1: 10 of 1,599,972 alleles (0.00063%); highest among the groups gnomAD compares: East Asian, 0.023%; no homozygotes.

Submissions (2):

Ambry Genetics
Classification: Uncertain significance for Primary ciliary dyskinesia. Last evaluated: 2024-03-13. Review status: criteria provided, single submitter. Criteria: Ambry Variant Classification Scheme 2023. Collection method: clinical testing. Allele origin: germline.
Comment: The p.L3084V variant (also known as c.9250C>G), located in coding exon 56 of the DNAH11 gene, results from a C to G substitution at nucleotide position 9250. The leucine at codon 3084 is replaced by valine, an amino acid with highly similar properties. This amino acid position is conserved. In addition, this alteration is predicted to be tolerated by in silico analysis. Based on the available evidence, the clinical significance of this alteration remains unclear.

Labcorp Genetics (formerly Invitae), Labcorp
Classification: Benign for Primary ciliary dyskinesia. Last evaluated: 2023-11-28. Review status: criteria provided, single submitter. Criteria: Invitae Variant Classification Sherloc (09022015). Collection method: clinical testing. Allele origin: germline.